The following is an entry in ClinVar:

ClinVar aggregate classification (germline): Likely benign. Review status: criteria provided, multiple submitters, no conflicts (2 of 4 stars). 4 submissions from 4 submitters: Likely benign (4). Last evaluated 2026-02-01.

Conditions:
ZMIZ1-related disorder. Also called: ZMIZ1-related condition.

Allele frequency attached by ClinVar (database versions not stated): TOPMed 0.00117; gnomAD exomes 0.00120; gnomAD 0.00123 and 0.00125; ExAC 0.00125; ESP Exome Variant Server 0.00208; 1000 Genomes Project 0.00220; 1000 Genomes Project 30x 0.00250.
gnomAD v4.1: 2,905 of 1,613,430 alleles (0.18%); highest among the groups gnomAD compares: Non-Finnish European, 0.22%; 7 homozygotes.

Submissions (4):

CeGaT Center for Human Genetics Tuebingen
Classification: Likely benign. Last evaluated: 2026-02-01. Review status: criteria provided, single submitter. Criteria: CeGaT Center For Human Genetics Tuebingen Variant Classification Criteria Version 2. Collection method: clinical testing. Allele origin: germline. Affected: yes. Observed: 7 variant alleles.
Comment: ZMIZ1: BP4, BP7

Labcorp Genetics (formerly Invitae), Labcorp
Classification: Likely benign. Last evaluated: 2026-01-27. Review status: criteria provided, single submitter. Criteria: Invitae Variant Classification Sherloc (09022015). Collection method: clinical testing. Allele origin: germline.

PreventionGenetics, part of Exact Sciences
Classification: Likely benign for ZMIZ1-related condition. Last evaluated: 2025-10-24. Review status: criteria provided, single submitter. Criteria: ACMG Guidelines, 2015. Collection method: clinical testing. Allele origin: germline.
Comment: This variant is classified as likely benign based on ACMG/AMP sequence variant interpretation guidelines (Richards et al. 2015 PMID: 25741868, with internal and published modifications).

Blueprint Genetics
Classification: Likely benign. Last evaluated: 2024-11-26. Review status: criteria provided, single submitter. Criteria: ACMG Guidelines, 2015. Collection method: clinical testing. Allele origin: germline.

NM_020338.4(ZMIZ1):c.2979G>A (p.Pro993=)

Gene: ZMIZ1 (zinc finger MIZ-type containing 1; plus strand). Cytogenetic location: 10q22.3.
Variant type: single nucleotide variant.
Coding change: c.2979G>A on transcript NM_020338.4 (MANE Select); coding-DNA position 2979, G replaced by A.
Protein change: p.Pro993=; no amino-acid change (proline 993 retained).
Molecular consequence: synonymous variant.
Genome position (GRCh38, 1-based): chr10:79,311,067, G>A. VCF-style: chr10-79311067-G-A. GRCh37 (hg19) VCF-style: chr10-81070824-G-A.
Identifiers: ClinVar variation 728771 (VCV000728771.32), dbSNP rs147630972, ClinGen allele CA5573165.